The following is an entry in ClinVar:

ClinVar aggregate classification (germline): Likely benign (1 of 4 stars; one submission).

Allele frequency attached by ClinVar (database versions not stated): gnomAD exomes below 0.00001; ExAC 0.00001; gnomAD 0.00001; TOPMed 0.00002.
gnomAD v4.1: 6 of 1,614,036 alleles (0.00037%); highest among the groups gnomAD compares: Non-Finnish European, 0.00034%; no homozygotes.

Submission:

CeGaT Center for Human Genetics Tuebingen
Classification: Likely benign. Last evaluated: 2022-07-01. Review status: criteria provided, single submitter. Criteria: CeGaT Center For Human Genetics Tuebingen Variant Classification Criteria Version 2. Collection method: clinical testing. Allele origin: germline. Affected: yes. Observed: 1 variant allele.
Comment: DNM2: BP4, BP7

NM_001005361.3(DNM2):c.969C>T (p.Thr323=)

Gene: DNM2 (dynamin 2; plus strand). Cytogenetic location: 19p13.2.
Variant type: single nucleotide variant.
Coding change: c.969C>T on transcript NM_001005361.3 (MANE Select); coding-DNA position 969, C replaced by T.
Protein change: p.Thr323=; no amino-acid change (threonine 323 retained).
Molecular consequence: synonymous variant.
Genome position (GRCh38, 1-based): chr19:10,786,683, C>T. VCF-style: chr19-10786683-C-T. GRCh37 (hg19) VCF-style: chr19-10897359-C-T.
Other names: c.969C>T, p.Thr323= (NM_001005360.3, NM_001005362.3, NM_001190716.2 and 1 more transcripts).
Identifiers: ClinVar variation 2649301 (VCV002649301.24), dbSNP rs760309027, ClinGen allele CA9200941.